The following is an entry in ClinVar:

ClinVar aggregate classification (germline): Likely benign (1 of 4 stars; one submission).

gnomAD v4.1: 134 of 1,558,454 alleles (0.0086%); highest among the groups gnomAD compares: Non-Finnish European, 0.011%; no homozygotes.

Submission:

CeGaT Center for Human Genetics Tuebingen
Classification: Likely benign. Last evaluated: 2026-08-01. Review status: criteria provided, single submitter. Criteria: CeGaT Center For Human Genetics Tuebingen Variant Classification Criteria Version 2. Collection method: clinical testing. Allele origin: germline. Affected: yes. Observed: 1 variant allele.
Comment: MTSS2: BP4, BP7

NM_138383.3(MTSS2):c.1668C>T (p.Gly556=)

Gene: MTSS2 (MTSS I-BAR domain containing 2; minus strand). Cytogenetic location: 16q22.1.
Variant type: single nucleotide variant.
Coding change: c.1668C>T on transcript NM_138383.3 (MANE Select); coding-DNA position 1668, C replaced by T.
Protein change: p.Gly556=; no amino-acid change (glycine 556 retained).
Molecular consequence: synonymous variant.
Genome position (GRCh38, 1-based): chr16:70,664,253, G>A on the plus strand (C>T on the coding strand, the complement: MTSS2 is on the minus strand). VCF-style: chr16-70664253-G-A. GRCh37 (hg19) VCF-style: chr16-70698156-G-A.
Identifiers: ClinVar variation 5038696 (VCV005038696.1).